The following is an entry in ClinVar:

NM_001077653.2(TBX20):c.158A>G (p.Gln53Arg)

Gene: TBX20 (T-box transcription factor 20; minus strand). Cytogenetic location: 7p14.2.
Variant type: single nucleotide variant.
Coding change: c.158A>G on transcript NM_001077653.2 (MANE Select); coding-DNA position 158, A replaced by G.
Protein change: p.Gln53Arg; replaces glutamine 53 with arginine.
Molecular consequence: missense variant.
Genome position (GRCh38, 1-based): chr7:35,250,173, T>C on the plus strand (A>G on the coding strand, the complement: TBX20 is on the minus strand). VCF-style: chr7-35250173-T-C. GRCh37 (hg19) VCF-style: chr7-35289785-T-C.
Other names: c.158A>G, p.Gln53Arg (NM_001166220.1); short protein forms Q53R.
Identifiers: ClinVar variation 4797361 (VCV004797361.1).

ClinVar aggregate classification (germline): Uncertain significance (1 of 4 stars; one submission).

Submission:

Labcorp Genetics (formerly Invitae), Labcorp
Classification: Uncertain significance. Last evaluated: 2025-08-03. Review status: criteria provided, single submitter. Criteria: Invitae Variant Classification Sherloc (09022015). Collection method: clinical testing. Allele origin: germline.
Comment: This sequence change replaces glutamine, which is neutral and polar, with arginine, which is basic and polar, at codon 53 of the TBX20 protein (p.Gln53Arg). This variant is not present in population databases (gnomAD no frequency). This variant has not been reported in the literature in individuals affected with TBX20-related conditions. An algorithm developed to predict the effect of missense changes on protein structure and function (PolyPhen-2) suggests that this variant is likely to be tolerated. In summary, the available evidence is currently insufficient to determine the role of this variant in disease. Therefore, it has been classified as a Variant of Uncertain Significance.